The following is an entry in ClinVar:

ClinVar aggregate classification (germline): Uncertain significance. Review status: criteria provided, multiple submitters, no conflicts (2 of 4 stars). 4 submissions from 4 submitters: Uncertain significance (4). Last evaluated 2024-04-15.

Conditions:
LAMA2-related muscular dystrophy (LAMA2-RD). Also called: Laminin alpha 2-related dystrophy. Identifiers: MedGen C5679788, MONDO:0100228.

Allele frequency attached by ClinVar (database versions not stated): gnomAD exomes below 0.00001.
gnomAD v4.1: 4 of 1,613,080 alleles (0.00025%); highest among the groups gnomAD compares: African/African-American, 0.0013%; no homozygotes.

Submissions (4):

Women's Health and Genetics/Laboratory Corporation of America, LabCorp
Classification: Uncertain significance. Last evaluated: 2024-04-15. Review status: criteria provided, single submitter. Criteria: LabCorp Variant Classification Summary - May 2015. Collection method: clinical testing. Allele origin: germline.
Comment: Variant summary: LAMA2 c.1608+3A>C alters a conserved nucleotide located close to a canonical splice site and therefore could affect mRNA splicing, leading to a significantly altered protein sequence. Several computational tools predict a significant impact on normal splicing: Three predict the variant abolishes a canonical 5' splicing donor site. One predict the variant weakens a canonical 5' donor site. However, these predictions have yet to be confirmed by functional studies. The variant allele was found at a frequency of 4e-06 in 249688 control chromosomes (gnomAD). The available data on variant occurrences in the general population are insufficient to allow any conclusion about variant significance. To our knowledge, no occurrence of c.1608+3A>C in individuals affected with Laminin Alpha 2-Related Dystrophy and no experimental evidence demonstrating its impact on protein function have been reported. ClinVar contains an entry for this variant (Variation ID: 2155510). Based on the evidence outlined above, the variant was classified as uncertain significance.

GeneDx
Classification: Uncertain significance. Last evaluated: 2023-12-02. Review status: criteria provided, single submitter. Criteria: GeneDx Variant Classification Process June 2021. Collection method: clinical testing. Allele origin: germline. Affected: yes.
Comment: Not observed at significant frequency in large population cohorts (gnomAD); In silico analysis supports a deleterious effect on splicing; Has not been previously published as pathogenic or benign to our knowledge

Labcorp Genetics (formerly Invitae), Labcorp
Classification: Uncertain significance for LAMA2-related muscular dystrophy. Last evaluated: 2022-01-18. Review status: criteria provided, single submitter. Criteria: Invitae Variant Classification Sherloc (09022015). Collection method: clinical testing. Allele origin: germline.
Comment: This sequence change falls in intron 11 of the LAMA2 gene. It does not directly change the encoded amino acid sequence of the LAMA2 protein. It affects a nucleotide within the consensus splice site. This variant is present in population databases (no rsID available, gnomAD 0.007%). This variant has not been reported in the literature in individuals affected with LAMA2-related conditions. Variants that disrupt the consensus splice site are a relatively common cause of aberrant splicing (PMID: 17576681, 9536098). Algorithms developed to predict the effect of sequence changes on RNA splicing suggest that this variant may disrupt the consensus splice site. In summary, the available evidence is currently insufficient to determine the role of this variant in disease. Therefore, it has been classified as a Variant of Uncertain Significance.

Revvity Omics, Revvity
Classification: Uncertain significance. Last evaluated: 2019-11-22. Review status: criteria provided, single submitter. Criteria: ACMG Guidelines, 2015. Collection method: clinical testing. Allele origin: germline.

Literature cited by the submitters: PubMed 17576681 (cited by Labcorp Genetics (formerly Invitae), Labcorp); PubMed 9536098 (cited by Labcorp Genetics (formerly Invitae), Labcorp).

NM_000426.4(LAMA2):c.1608+3A>C

Gene: LAMA2 (laminin subunit alpha 2; plus strand). Cytogenetic location: 6q22.33.
Variant type: single nucleotide variant.
Coding change: c.1608+3A>C on transcript NM_000426.4 (MANE Select); 3 bases into the intron after coding-DNA position 1608, A replaced by C.
Molecular consequence: intron variant.
Genome position (GRCh38, 1-based): chr6:129,190,348, A>C. VCF-style: chr6-129190348-A-C. GRCh37 (hg19) VCF-style: chr6-129511493-A-C.
Other names: c.1608+3A>C (NM_000426.3, NM_001079823.2).
Identifiers: ClinVar variation 2155510 (VCV002155510.6), dbSNP rs548428526, ClinGen allele CA146879841.